The following is an entry in ClinVar:

ClinVar aggregate classification (germline): Uncertain significance (1 of 4 stars; one submission).

Submission:

Labcorp Genetics (formerly Invitae), Labcorp
Classification: Uncertain significance. Last evaluated: 2023-12-19. Review status: criteria provided, single submitter. Criteria: Invitae Variant Classification Sherloc (09022015). Collection method: clinical testing. Allele origin: germline.
Comment: This sequence change replaces proline, which is neutral and non-polar, with threonine, which is neutral and polar, at codon 789 of the AUTS2 protein (p.Pro789Thr). This variant is not present in population databases (gnomAD no frequency). This variant has not been reported in the literature in individuals affected with AUTS2-related conditions. Advanced modeling of protein sequence and biophysical properties (such as structural, functional, and spatial information, amino acid conservation, physicochemical variation, residue mobility, and thermodynamic stability) performed at Invitae indicates that this missense variant is not expected to disrupt AUTS2 protein function with a negative predictive value of 80%. In summary, the available evidence is currently insufficient to determine the role of this variant in disease. Therefore, it has been classified as a Variant of Uncertain Significance.

NM_015570.4(AUTS2):c.2365C>A (p.Pro789Thr)

Gene: AUTS2 (activator of transcription and developmental regulator AUTS2; plus strand). Cytogenetic location: 7q11.22.
Variant type: single nucleotide variant.
Coding change: c.2365C>A on transcript NM_015570.4 (MANE Select); coding-DNA position 2365, C replaced by A.
Protein change: p.Pro789Thr; replaces proline 789 with threonine.
Molecular consequence: missense variant.
Genome position (GRCh38, 1-based): chr7:70,787,265, C>A. VCF-style: chr7-70787265-C-A. GRCh37 (hg19) VCF-style: chr7-70252251-C-A.
Other names: c.2293C>A, p.Pro765Thr (NM_001127231.3); short protein forms P789T, P765T.
Identifiers: ClinVar variation 2704302 (VCV002704302.3), dbSNP rs1791564857, ClinGen allele CA367663933.